The following is an entry in ClinVar:

ClinVar aggregate classification (germline): Pathogenic. Review status: criteria provided, multiple submitters, no conflicts (2 of 4 stars). 2 submissions from 2 submitters: Pathogenic (2). Last evaluated 2024-05-08.

Conditions:
Fanconi anemia (FA). Also called: Fanconi's anemia. Identifiers: Orphanet 84, MedGen C0015625, MeSH D005199, MONDO:0019391.
Fanconi anemia complementation group A (FANCA). Also called: Fanconi anemia, group A; FANCA-Related Fanconi Anemia. Identifiers: Orphanet 84, MedGen C3469521, MONDO:0009215, OMIM 227650.

Allele frequency attached by ClinVar (database versions not stated): gnomAD exomes below 0.00001.
gnomAD v4.1: 1 of 1,614,052 alleles (0.000062%); highest among the groups gnomAD compares: Non-Finnish European, 0.000085%; no homozygotes.

Submissions (2):

Myriad Genetics, Inc.
Classification: Pathogenic for Fanconi anemia complementation group A. Last evaluated: 2024-05-08. Review status: criteria provided, single submitter. Criteria: Myriad Autosomal Dominant, Autosomal Recessive and X-Linked Classification Criteria (2023). Collection method: clinical testing. Allele origin: unknown.
Comment: NM_000135.2(FANCA):c.2896G>T(E966*) is expected to be pathogenic in the context of Fanconi anemia complementation group A. This variant is predicted to lead to an abnormal or absent protein product due to the creation of a premature termination codon in FANCA, a gene where loss-of-function variants are known to be pathogenic. Please note: this variant was assessed in the context of healthy population screening.

Labcorp Genetics (formerly Invitae), Labcorp
Classification: Pathogenic for Fanconi anemia. Last evaluated: 2021-12-02. Review status: criteria provided, single submitter. Criteria: Invitae Variant Classification Sherloc (09022015). Collection method: clinical testing. Allele origin: germline.
Comment: This sequence change creates a premature translational stop signal (p.Glu966*) in the FANCA gene. It is expected to result in an absent or disrupted protein product. Loss-of-function variants in FANCA are known to be pathogenic (PMID: 19367192). This variant is not present in population databases (gnomAD no frequency). This variant has not been reported in the literature in individuals affected with FANCA-related conditions. For these reasons, this variant has been classified as Pathogenic.

Literature cited by the submitters: PubMed 19367192 (cited by Labcorp Genetics (formerly Invitae), Labcorp).

NM_000135.4(FANCA):c.2896G>T (p.Glu966Ter)

Gene: FANCA (FA complementation group A; minus strand). Cytogenetic location: 16q24.3.
Variant type: single nucleotide variant.
Coding change: c.2896G>T on transcript NM_000135.4 (MANE Select); coding-DNA position 2896, G replaced by T.
Protein change: p.Glu966Ter; replaces glutamic acid 966 with a stop codon.
Molecular consequence: nonsense.
Genome position (GRCh38, 1-based): chr16:89,758,662, C>A on the plus strand (G>T on the coding strand, the complement: FANCA is on the minus strand). VCF-style: chr16-89758662-C-A. GRCh37 (hg19) VCF-style: chr16-89825070-C-A.
Other names: c.2896G>T, p.Glu966Ter (NM_001286167.3); short protein forms E966*.
Identifiers: ClinVar variation 1452829 (VCV001452829.7), dbSNP rs1192724266, ClinGen allele CA397431412.
Genomic context (GRCh38, chr16:89,758,662, plus strand): 5'-TGACAAGAATGGTACACGCAGCCTGCAGGTCTCCGTCACAGCCCCCTGAAGCCGAGGACT[C>A]AGGGAGAAAGTGCTCATGGATCGCCCACTGGTGGAAGTCCTGCCTAGAACAGCAAACACT-3'